The following is an entry in ClinVar:

NM_003106.4(SOX2):c.384del (p.Gly129fs)

Genes: SOX2-OT (SOX2 overlapping transcript; plus strand), SOX2 (SRY-box transcription factor 2; plus strand), LOC108281177 (SOX2 5' regulatory region; plus strand). Cytogenetic location: 3q26.33.
Variant type: Deletion.
Coding change: c.384del on transcript NM_003106.4 (MANE Select); coding-DNA position 384, one base deleted (C; older notation c.384delC).
Protein change: p.Gly129fs; shifts the reading frame from glycine 129.
Molecular consequence: frameshift variant.
Genome position (GRCh38, 1-based): chr3:181,712,744, C deleted; the last of 3 consecutive C bases (chr3:181,712,742-181,712,744); deleting any one gives the same sequence. VCF-style (leftmost placement, unchanged base first): chr3-181712741-GC-G. GRCh37 (hg19) VCF-style: chr3-181430529-GC-G.
Other names: short protein forms G129fs.
Identifiers: ClinVar variation 2098215 (VCV002098215.4), dbSNP rs2473718342, ClinGen allele CA2580069113.

ClinVar aggregate classification (germline): Pathogenic (1 of 4 stars; one submission).

Conditions:
Anophthalmia/microphthalmia-esophageal atresia syndrome (MCOPS3). Also called: AEG SYNDROME; MICROPHTHALMIA AND ESOPHAGEAL ATRESIA SYNDROME; SOX2 Disorder. Identifiers: Orphanet 77298, MedGen C1859773, MONDO:0008799, OMIM 206900.

Submission:

Labcorp Genetics (formerly Invitae), Labcorp
Classification: Pathogenic for Anophthalmia/microphthalmia-esophageal atresia syndrome. Last evaluated: 2022-09-21. Review status: criteria provided, single submitter. Criteria: Invitae Variant Classification Sherloc (09022015). Collection method: clinical testing. Allele origin: germline.
Comment: This variant disrupts a region of the SOX2 protein in which other variant(s) (p.Pro181Argfs*22) have been determined to be pathogenic (PMID: 22171155). This suggests that this is a clinically significant region of the protein, and that variants that disrupt it are likely to be disease-causing. This premature translational stop signal has been observed in individual(s) with clinical features of SOX2-related conditions (PMID: 33914258). This variant is not present in population databases (gnomAD no frequency). This sequence change creates a premature translational stop signal (p.Gly129Alafs*25) in the SOX2 gene. While this is not anticipated to result in nonsense mediated decay, it is expected to disrupt the last 189 amino acid(s) of the SOX2 protein. For these reasons, this variant has been classified as Pathogenic.

Literature cited by the submitters: PubMed 22171155; PubMed 33914258.